The following is an entry in ClinVar:

NM_005876.5(SPEG):c.5931A>C (p.Gly1977=)

Genes: ASIC4-AS1 (ASIC4 antisense RNA 1; minus strand), SPEG (striated muscle enriched protein kinase; plus strand). Cytogenetic location: 2q35.
Variant type: single nucleotide variant.
Coding change: c.5931A>C on transcript NM_005876.5 (MANE Select); coding-DNA position 5931, A replaced by C.
Protein change: p.Gly1977=; no amino-acid change (glycine 1977 retained).
Molecular consequence: synonymous variant.
Genome position (GRCh38, 1-based): chr2:219,483,394, A>C. VCF-style: chr2-219483394-A-C. GRCh37 (hg19) VCF-style: chr2-220348116-A-C.
Identifiers: ClinVar variation 1898124 (VCV001898124.29), dbSNP rs372924696, ClinGen allele CA2126979.
Genomic context (GRCh38, chr2:219,483,394, plus strand): 5'-TGAGGCCCTGGGGACCCCAGAGACTGGGGCTGCCACCCCCATGGACTGGCAGGAGCAGGG[A>C]AGGGCTCCCTCTCAGGACCAGGAGGCTCCCAGCCCAGAGGCCCTCCCCTCCCCAGGCCAG-3'
Protein context (NP_005867.3, residues 1967-1987): AATPMDWQEQ[Gly1977=]RAPSQDQEAP

ClinVar aggregate classification (germline): Likely benign. Review status: criteria provided, multiple submitters, no conflicts (2 of 4 stars). 2 submissions from 2 submitters: Likely benign (2). Last evaluated 2023-12-07.

Allele frequency attached by ClinVar (database versions not stated): ExAC 0.00002; gnomAD 0.00002; ESP Exome Variant Server 0.00009.
gnomAD v4.1: 16 of 1,596,220 alleles (0.001%); highest among the groups gnomAD compares: Non-Finnish European, 0.0014%; no homozygotes.

Submissions (2):

Labcorp Genetics (formerly Invitae), Labcorp
Classification: Likely benign. Last evaluated: 2023-12-07. Review status: criteria provided, single submitter. Criteria: Invitae Variant Classification Sherloc (09022015). Collection method: clinical testing. Allele origin: germline.

CeGaT Center for Human Genetics Tuebingen
Classification: Likely benign. Last evaluated: 2023-07-01. Review status: criteria provided, single submitter. Criteria: CeGaT Center For Human Genetics Tuebingen Variant Classification Criteria Version 2. Collection method: clinical testing. Allele origin: germline. Affected: yes. Observed: 1 variant allele.
Comment: SPEG: BP4, BP7